The following is an entry in ClinVar:

ClinVar aggregate classification (germline): Uncertain significance (1 of 4 stars; one submission).

Conditions:
Spastic paraplegia. Identifiers: MedGen C0037772, HP:0001258.

Allele frequency attached by ClinVar (database versions not stated): TOPMed below 0.00001; ExAC 0.00001; gnomAD exomes 0.00001.
gnomAD v4.1: 15 of 1,608,126 alleles (0.00093%); highest among the groups gnomAD compares: South Asian, 0.0022%; no homozygotes.

Submission:

Labcorp Genetics (formerly Invitae), Labcorp
Classification: Uncertain significance for Spastic paraplegia. Last evaluated: 2024-05-13. Review status: criteria provided, single submitter. Criteria: Invitae Variant Classification Sherloc (09022015). Collection method: clinical testing. Allele origin: germline.
Comment: This sequence change replaces threonine, which is neutral and polar, with methionine, which is neutral and non-polar, at codon 356 of the RTN2 protein (p.Thr356Met). This variant is present in population databases (rs768986398, gnomAD 0.002%). This variant has not been reported in the literature in individuals affected with RTN2-related conditions. An algorithm developed to predict the effect of missense changes on protein structure and function (PolyPhen-2) suggests that this variant is likely to be disruptive. In summary, the available evidence is currently insufficient to determine the role of this variant in disease. Therefore, it has been classified as a Variant of Uncertain Significance.

NM_005619.5(RTN2):c.1067C>T (p.Thr356Met)

Genes: OPA3-RTN2 (OPA3-RTN2 readthrough; minus strand), RTN2 (reticulon 2; minus strand). Cytogenetic location: 19q13.32.
Variant type: single nucleotide variant.
Coding change: c.1067C>T on transcript NM_005619.5 (MANE Select); coding-DNA position 1067, C replaced by T.
Protein change: p.Thr356Met; replaces threonine 356 with methionine.
Molecular consequence: missense variant.
Genome position (GRCh38, 1-based): chr19:45,489,520, G>A on the plus strand (C>T on the coding strand, the complement: RTN2 is on the minus strand). VCF-style: chr19-45489520-G-A. GRCh37 (hg19) VCF-style: chr19-45992778-G-A.
Other names: c.848C>T, p.Thr283Met (NM_206900.3); c.47C>T, p.Thr16Met (NM_206901.3); short protein forms T16M, T283M, T356M.
Identifiers: ClinVar variation 3007147 (VCV003007147.3), dbSNP rs768986398, ClinGen allele CA9516087.